The following is an entry in ClinVar:

NM_015139.3(SLC35D1):c.24_26del (p.Gln8del)

Gene: SLC35D1 (solute carrier family 35 member D1; minus strand). Cytogenetic location: 1p31.3.
Variant type: Deletion.
Coding change: c.24_26del on transcript NM_015139.3 (MANE Select); coding-DNA positions 24 to 26, 3 bases deleted (GCA; older notation c.24_26delGCA).
Protein change: p.Gln8del; deletes glutamine 8.
Molecular consequence: inframe deletion.
Genome position (GRCh38, 1-based): chr1:67,053,988-67,053,990, TGC deleted on the plus strand (GCA on the coding strand, the reverse complement: SLC35D1 is on the minus strand); deleting any 3 consecutive bases within chr1:67,053,988-67,053,992 gives the same sequence; the c. name uses the placement nearest the transcript's 3' end. VCF-style (leftmost placement, unchanged base first): chr1-67053987-ATGC-A. GRCh37 (hg19) VCF-style: chr1-67519670-ATGC-A.
Other names: short protein forms Q8del.
Identifiers: ClinVar variation 1406521 (VCV001406521.8), dbSNP rs759849927, ClinGen allele CA899198.

ClinVar aggregate classification (germline): Uncertain significance (1 of 4 stars; one submission).

Conditions:
Schneckenbecken dysplasia. Identifiers: Orphanet 3144, MedGen C0432194, MONDO:0010013, OMIM 269250.

Submission:

Labcorp Genetics (formerly Invitae), Labcorp
Classification: Uncertain significance for Schneckenbecken dysplasia. Last evaluated: 2022-07-08. Review status: criteria provided, single submitter. Criteria: Invitae Variant Classification Sherloc (09022015). Collection method: clinical testing. Allele origin: germline.
Comment: In summary, the available evidence is currently insufficient to determine the role of this variant in disease. Therefore, it has been classified as a Variant of Uncertain Significance. This variant is present in population databases (rs759849927, gnomAD 0.0009%). This variant has not been reported in the literature in individuals affected with SLC35D1-related conditions. This variant, c.24_26del, results in the deletion of 1 amino acid(s) of the SLC35D1 protein (p.Gln8del), but otherwise preserves the integrity of the reading frame. Experimental studies and prediction algorithms are not available or were not evaluated, and the functional significance of this variant is currently unknown. ClinVar contains an entry for this variant (Variation ID: 1406521).